The following is an entry in ClinVar:

ClinVar aggregate classification (germline): Uncertain significance (1 of 4 stars; one submission).

Allele frequency attached by ClinVar (database versions not stated): ExAC 0.00001; gnomAD 0.00001; TOPMed 0.00002.
gnomAD v4.1: 1 of 1,614,006 alleles (0.000062%); highest among the groups gnomAD compares: African/African-American, 0.0013%; no homozygotes.

Submission:

Labcorp Genetics (formerly Invitae), Labcorp
Classification: Uncertain significance. Last evaluated: 2022-07-06. Review status: criteria provided, single submitter. Criteria: Invitae Variant Classification Sherloc (09022015). Collection method: clinical testing. Allele origin: germline.
Comment: This variant is not present in population databases (gnomAD no frequency). In summary, the available evidence is currently insufficient to determine the role of this variant in disease. Therefore, it has been classified as a Variant of Uncertain Significance. Advanced modeling of protein sequence and biophysical properties (such as structural, functional, and spatial information, amino acid conservation, physicochemical variation, residue mobility, and thermodynamic stability) performed at Invitae indicates that this missense variant is not expected to disrupt COL9A1 protein function. ClinVar contains an entry for this variant (Variation ID: 1494993). This variant has not been reported in the literature in individuals affected with COL9A1-related conditions. This sequence change replaces aspartic acid, which is acidic and polar, with asparagine, which is neutral and polar, at codon 135 of the COL9A1 protein (p.Asp135Asn).

NM_001851.6(COL9A1):c.403G>A (p.Asp135Asn)

Gene: COL9A1 (collagen type IX alpha 1 chain; minus strand). Cytogenetic location: 6q13.
Variant type: single nucleotide variant.
Coding change: c.403G>A on transcript NM_001851.6 (MANE Select); coding-DNA position 403, G replaced by A.
Protein change: p.Asp135Asn; replaces aspartic acid 135 with asparagine.
Molecular consequence: missense variant.
Genome position (GRCh38, 1-based): chr6:70,294,460, C>T on the plus strand (G>A on the coding strand, the complement: COL9A1 is on the minus strand). VCF-style: chr6-70294460-C-T. GRCh37 (hg19) VCF-style: chr6-71004163-C-T.
Other names: c.403G>A, p.Asp135Asn (NM_001377291.1); short protein forms D135N.
Identifiers: ClinVar variation 1494993 (VCV001494993.6), dbSNP rs774360157, ClinGen allele CA3882815.